The following is an entry in ClinVar:

ClinVar aggregate classification (germline): Uncertain significance (1 of 4 stars; one submission).

Conditions:
Dilated cardiomyopathy 1G (CMD1G). Identifiers: Orphanet 154, MedGen C1858763, MONDO:0011400, OMIM 604145.
Autosomal recessive limb-girdle muscular dystrophy type 2J (LGMDR10). Also called: MUSCULAR DYSTROPHY, LIMB-GIRDLE, AUTOSOMAL RECESSIVE 10; Limb-girdle muscular dystrophy, type 2J. Identifiers: Orphanet 140922, MedGen C1837342, MONDO:0012127, OMIM 608807.

Submission:

Labcorp Genetics (formerly Invitae), Labcorp
Classification: Uncertain significance for Dilated cardiomyopathy 1G; Autosomal recessive limb-girdle muscular dystrophy type 2J. Last evaluated: 2021-12-31. Review status: criteria provided, single submitter. Criteria: Invitae Variant Classification Sherloc (09022015). Collection method: clinical testing. Allele origin: germline.
Comment: In summary, the available evidence is currently insufficient to determine the role of this variant in disease. Therefore, it has been classified as a Variant of Uncertain Significance. This variant disrupts the I band(s) of TTN (PMID: 25589632). Copy number variants in TTN have been previously reported in individuals affected with neuromuscular disorders (PMID: 29792937, 30238059), but the functional significance of this variant is currently unknown. This variant has not been reported in the literature in individuals affected with TTN-related conditions. This variant is a gross deletion of the genomic region encompassing exon(s) 116-171 of the TTN gene. The 5' boundary is likely confined to intron 115 of this gene. The 3 ‚Äôend of this event is unknown as it extends outside of the assayed exons for this gene. While this deletion is not anticipated to result in nonsense mediated decay, it may create a truncated protein product.

Literature cited by the submitters: PubMed 25589632; PubMed 29792937; PubMed 30238059.

NC_000002.11:g.(?_179528140)_(179559653_?)del

Gene: TTN (titin; minus strand). Cytogenetic location: 2q31.2.
Variant type: Deletion.
Identifiers: ClinVar variation 1443068 (VCV001443068.7).